The following is an entry in ClinVar:

NM_001378969.1(KCND3):c.1201G>A (p.Val401Met)

Gene: KCND3 (potassium voltage-gated channel subfamily D member 3; minus strand). Cytogenetic location: 1p13.2.
Variant type: single nucleotide variant.
Coding change: c.1201G>A on transcript NM_001378969.1 (MANE Select); coding-DNA position 1201, G replaced by A.
Protein change: p.Val401Met; replaces valine 401 with methionine.
Molecular consequence: missense variant.
Genome position (GRCh38, 1-based): chr1:111,787,012, C>T on the plus strand (G>A on the coding strand, the complement: KCND3 is on the minus strand). VCF-style: chr1-111787012-C-T. GRCh37 (hg19) VCF-style: chr1-112329634-C-T.
Other names: c.1201G>A, p.Val401Met (NM_001378970.1, NM_004980.5, NM_172198.3); short protein forms V401M.
Identifiers: ClinVar variation 2581748 (VCV002581748.1), dbSNP rs2525053134, ClinGen allele CA341660671.
Genomic context (GRCh38, chr1:111,787,012, plus strand): 5'-CCCTGCGTTTATCAGCTCTCTGATTCTGGTGGTAAATCCGGCTAAAGTTGGAAACAATCA[C>T]AGGGACTGGCAGGGCAATGACCAGGACGCCACTCAAGGAGCAGATGGAGCCGAAGATCTT-3'
Protein context (NP_001365898.1, residues 391-411): GVLVIALPVP[Val401Met]IVSNFSRIYH

ClinVar aggregate classification (germline): Pathogenic (1 of 4 stars; one submission).

Submission:

GeneDx
Classification: Pathogenic. Last evaluated: 2023-10-02. Review status: criteria provided, single submitter. Criteria: GeneDx Variant Classification Process June 2021. Collection method: clinical testing. Allele origin: germline. Affected: yes.
Comment: Not observed at significant frequency in large population cohorts (gnomAD); In silico analysis supports that this missense variant has a deleterious effect on protein structure/function; Has not been previously published as pathogenic or benign to our knowledge; This variant is associated with the following publications: (PMID: 27535533)